The following is an entry in ClinVar:

NM_000426.4(LAMA2):c.1127G>T (p.Gly376Val)

Gene: LAMA2 (laminin subunit alpha 2; plus strand). Cytogenetic location: 6q22.33.
Variant type: single nucleotide variant.
Coding change: c.1127G>T on transcript NM_000426.4 (MANE Select); coding-DNA position 1127, G replaced by T.
Protein change: p.Gly376Val; replaces glycine 376 with valine.
Molecular consequence: missense variant.
Genome position (GRCh38, 1-based): chr6:129,154,604, G>T. VCF-style: chr6-129154604-G-T. GRCh37 (hg19) VCF-style: chr6-129475749-G-T.
Other names: c.1127G>T, p.Gly376Val (NM_001079823.2); short protein forms G376V.
Identifiers: ClinVar variation 1706119 (VCV001706119.2), dbSNP rs371822775, ClinGen allele CA3992526.

ClinVar aggregate classification (germline): Uncertain significance (1 of 4 stars; one submission).

Allele frequency attached by ClinVar (database versions not stated): ExAC 0.00001; ESP Exome Variant Server 0.00008.

Submission:

GeneDx
Classification: Uncertain significance. Last evaluated: 2022-03-10. Review status: criteria provided, single submitter. Criteria: GeneDx Variant Classification Process June 2021. Collection method: clinical testing. Allele origin: germline. Affected: yes.
Comment: Not observed at significant frequency in large population cohorts (gnomAD); In silico analysis supports that this missense variant has a deleterious effect on protein structure/function; Has not been previously published as pathogenic or benign to our knowledge